The following is an entry in ClinVar:

NM_017739.4(POMGNT1):c.1212-1G>A

Genes: POMGNT1 (protein O-linked mannose N-acetylglucosaminyltransferase 1 (beta 1,2-); minus strand), TSPAN1 (tetraspanin 1; plus strand). Cytogenetic location: 1p34.1.
Variant type: single nucleotide variant.
Coding change: c.1212-1G>A on transcript NM_017739.4 (MANE Select); the canonical splice acceptor site of the intron before coding-DNA position 1212, G replaced by A.
Molecular consequence: splice acceptor variant.
Genome position (GRCh38, 1-based): chr1:46,192,591, C>T on the plus strand (G>A on the coding strand, the complement: POMGNT1 is on the minus strand). VCF-style: chr1-46192591-C-T. GRCh37 (hg19) VCF-style: chr1-46658263-C-T.
Other names: c.1212-1G>A (NM_001243766.2, NM_001438686.1, NM_001438688.1 and 3 more transcripts); c.1146-1G>A (NM_001290129.3, NM_001438691.1, NM_001438692.1); c.783-1G>A (NM_001290130.2).
Identifiers: ClinVar variation 1493214 (VCV001493214.6), dbSNP rs1553163254, ClinGen allele CA340177033.
Genomic context (GRCh38, chr1:46,192,591, plus strand): 5'-GCAGAGATGCAGTACAGGCTGTCATCCTCCTCCAGTAGGTGGATGGATTGGCTCAGGAAA[C>T]TGAGAGAGGCAGGGTCAAAGAGTTCAGGGAGGGACAAGGATAAATCTAGTCACACAGAGA-3'

ClinVar aggregate classification (germline): Likely pathogenic (1 of 4 stars; one submission).

Conditions:
Autosomal recessive limb-girdle muscular dystrophy type 2O. Also called: Limb-Girdle Muscular Dystrophy Type 3C; MUSCULAR DYSTROPHY-DYSTROGLYCANOPATHY (LIMB-GIRDLE), TYPE C, 3; MUSCULAR DYSTROPHY-DYSTROGLYCANOPATHY, LIMB-GIRDLE, POMGNT1-RELATED. Identifiers: Orphanet 206564, MedGen C3150417, MONDO:0013161, OMIM 613157.
Muscular dystrophy-dystroglycanopathy (congenital with impaired intellectual development), type B, 3. Also called: Muscular dystrophy-dystroglycanopathy (congenital with intellectual disability), type B3; MUSCULAR DYSTROPHY, CONGENITAL, POMGNT1-RELATED. Identifiers: MedGen C3150412, MONDO:0013155, OMIM 613151.

Allele frequency attached by ClinVar (database versions not stated): gnomAD exomes below 0.00001.
gnomAD v4.1: 1 of 1,613,968 alleles (0.000062%); highest among the groups gnomAD compares: Non-Finnish European, 0.000085%; no homozygotes.

Submission:

Labcorp Genetics (formerly Invitae), Labcorp
Classification: Likely pathogenic for Autosomal recessive limb-girdle muscular dystrophy type 2O; Muscular dystrophy-dystroglycanopathy (congenital with impaired intellectual development), type B, 3. Last evaluated: 2023-04-19. Review status: criteria provided, single submitter. Criteria: Invitae Variant Classification Sherloc (09022015). Collection method: clinical testing. Allele origin: germline.
Comment: In summary, the currently available evidence indicates that the variant is pathogenic, but additional data are needed to prove that conclusively. Therefore, this variant has been classified as Likely Pathogenic. Algorithms developed to predict the effect of sequence changes on RNA splicing suggest that this variant may disrupt the consensus splice site. ClinVar contains an entry for this variant (Variation ID: 1493214). This variant has not been reported in the literature in individuals affected with POMGNT1-related conditions. This variant is not present in population databases (gnomAD no frequency). This sequence change affects an acceptor splice site in intron 14 of the POMGNT1 gene. It is expected to disrupt RNA splicing. Variants that disrupt the donor or acceptor splice site typically lead to a loss of protein function (PMID: 16199547), and loss-of-function variants in POMGNT1 are known to be pathogenic (PMID: 19299310, 20816175, 21447391, 26908613, 27391550).

Literature cited by the submitters: PubMed 16199547; PubMed 19299310; PubMed 20816175; PubMed 21447391; PubMed 26908613; PubMed 27391550.